The following is an entry in ClinVar:

NM_000137.4(FAH):c.580A>T (p.Lys194Ter)

Gene: FAH (fumarylacetoacetate hydrolase; plus strand). Cytogenetic location: 15q25.1.
Variant type: single nucleotide variant.
Coding change: c.580A>T on transcript NM_000137.4 (MANE Select); coding-DNA position 580, A replaced by T.
Protein change: p.Lys194Ter; replaces lysine 194 with a stop codon.
Molecular consequence: nonsense.
Genome position (GRCh38, 1-based): chr15:80,168,290, A>T. VCF-style: chr15-80168290-A-T. GRCh37 (hg19) VCF-style: chr15-80460632-A-T.
Other names: c.580A>T, p.Lys194Ter (NM_001374377.1, NM_001374380.1); short protein forms K194*.
Identifiers: ClinVar variation 1725214 (VCV001725214.2), dbSNP rs373302756, ClinGen allele CA393620029.

ClinVar aggregate classification (germline): Likely pathogenic (1 of 4 stars; one submission).

Conditions:
Tyrosinemia type I (TYRSN1). Also called: Tyrosinemia type 1; Fumarylacetoacetase deficiency; Deficiency of fumarylacetoacetase; FAH DEFICIENCY; HEPATORENAL TYROSINEMIA. Identifiers: Orphanet 882, MedGen C0268490, MONDO:0010161, OMIM 276700. Disease mechanism: loss of function.

Submission:

Myriad Genetics, Inc.
Classification: Likely pathogenic for Tyrosinemia type I. Last evaluated: 2022-03-03. Review status: criteria provided, single submitter. Criteria: Myriad Women's Health Autosomal Recessive and X-Linked Classification Criteria (2021). Collection method: clinical testing. Allele origin: unknown.
Comment: NM_000137.2(FAH):c.580A>T(K194*) is expected to be pathogenic in the context of tyrosinemia type I. This variant is predicted to lead to an abnormal or absent protein product due to the creation of a premature termination codon in FAH, a gene where loss-of-function variants are known to be pathogenic. Please note: this variant was assessed in the context of healthy population screening.